The following is an entry in ClinVar:

NM_024422.6(DSC2):c.2595G>A (p.Val865=)

Gene: DSC2 (desmocollin 2; minus strand). Cytogenetic location: 18q12.1.
Variant type: single nucleotide variant.
Coding change: c.2595G>A on transcript NM_024422.6 (MANE Select); coding-DNA position 2595, G replaced by A.
Protein change: p.Val865=; no amino-acid change (valine 865 retained).
Molecular consequence: synonymous variant. On other transcripts: 3 prime UTR variant (1).
Genome position (GRCh38, 1-based): chr18:31,068,126, C>T on the plus strand (G>A on the coding strand, the complement: DSC2 is on the minus strand). VCF-style: chr18-31068126-C-T. GRCh37 (hg19) VCF-style: chr18-28648092-C-T.
Other names: c.*97G>A (NM_004949.5); c.2595G>A (NM_024422.4).
Identifiers: ClinVar variation 919775 (VCV000919775.12), dbSNP rs765879750, ClinGen allele CA040962.
Genomic context (GRCh38, chr18:31,068,126, plus strand): 5'-ATCCAAAAATTCAAGCCCATCTTCTTCTTGTCGTTCACTGCAACAACCTACAGACCCAGC[C>T]ACCGATCCTCTTCCTTCATAGTTATATGTCAGGACATAGTCTTGGGCATGCTTGTGATTT-3'
Protein context (NP_077740.1, residues 855-875): LTYNYEGRGS[Val865=]AGSVGCCSER

ClinVar aggregate classification (germline): Likely benign. Review status: criteria provided, multiple submitters, no conflicts (2 of 4 stars). 4 submissions from 4 submitters: Likely benign (3). 1 of the submissions does not count toward it. Last evaluated 2025-06-25.

Conditions:
Familial isolated arrhythmogenic right ventricular dysplasia. Identifiers: Orphanet 217656, MedGen C4274968, MONDO:0016342.
Arrhythmogenic right ventricular dysplasia 11. Also called: ARRHYTHMOGENIC RIGHT VENTRICULAR DYSPLASIA, FAMILIAL, 11; Arrhythmogenic Right Ventricular Dysplasia/Cardiomyopathy11; Arrhythmogenic right ventricular dysplasia 11 with mild palmoplantar keratoderma and woolly hair. Identifiers: MedGen C1864850, MONDO:0012506, OMIM 610476.
Cardiomyopathy (CMYO). Also called: Cardiomyopathies. Identifiers: Orphanet 167848, MedGen C0878544, MONDO:0004994, HP:0001638. Inheritance: Various modes of inheritance.
DSC2-related disorder. Also called: DSC2-related condition.

Allele frequency attached by ClinVar (database versions not stated): TOPMed below 0.00001; ExAC 0.00005; gnomAD exomes 0.00001 and 0.00003.
gnomAD v4.1: 7 of 1,614,068 alleles (0.00043%); highest among the groups gnomAD compares: Admixed American, 0.012%; no homozygotes.

Submissions (4):

Labcorp Genetics (formerly Invitae), Labcorp
Classification: Likely benign for Arrhythmogenic right ventricular dysplasia 11. Last evaluated: 2025-06-25. Review status: criteria provided, single submitter. Criteria: Invitae Variant Classification Sherloc (09022015). Collection method: clinical testing. Allele origin: germline.

All of Us Research Program, National Institutes of Health
Classification: Likely benign for Familial isolated arrhythmogenic right ventricular dysplasia. Last evaluated: 2023-10-02. Review status: criteria provided, single submitter. Criteria: ACMG Guidelines, 2015. Collection method: clinical testing. Allele origin: germline. Inheritance: Autosomal dominant inheritance. Observed: 3 variant alleles, 3 heterozygotes.
Comment: This study involves interpretation of variants in research participants for the purpose of population health screening. Participant phenotype was not available at the time of variant classification. Additional details can be found in publication PMID: 35346344, PMCID: PMC8962531

Color Diagnostics, LLC DBA Color Health
Classification: Likely benign for Cardiomyopathy. Last evaluated: 2019-02-28. Review status: criteria provided, single submitter. Criteria: ACMG Guidelines, 2015. Collection method: clinical testing. Allele origin: germline.

PreventionGenetics, part of Exact Sciences
Classification: Likely benign for DSC2-related condition. Last evaluated: 2019-07-23. Review status: no assertion criteria provided. Collection method: clinical testing. Allele origin: germline. Not counted in ClinVar's aggregate classification.
Comment: This variant is classified as likely benign based on ACMG/AMP sequence variant interpretation guidelines (Richards et al. 2015 PMID: 25741868, with internal and published modifications).